The following is an entry in ClinVar:

ClinVar aggregate classification (germline): Conflicting classifications of pathogenicity. Review status: criteria provided, conflicting classifications (1 of 4 stars). 2 submissions from 2 submitters: Uncertain significance (1); Likely benign (1). Last evaluated 2026-09-23.

Conditions:
Huntington disease (HD). Also called: Huntington's chorea; Huntington's disease; HUNTINGTON CHOREA. Identifiers: Orphanet 248111, Orphanet 399, MedGen C0020179, MONDO:0007739, OMIM 143100.

Submissions (2):

Department Of Human Genetics, Institute Of Clinical And Translational Research, Biomedical Research Center, Slovak Academy Of Sciences
Classification: Uncertain significance for Huntington disease. Last evaluated: 2026-09-23. Review status: criteria provided, single submitter. Criteria: ACMG Guidelines for Huntington disease, 2014. Collection method: research. Allele origin: germline. Inheritance: Autosomal dominant inheritance.
Comment: The NC_000004.12.g.3074878_3074940AGC[30]AAC[1]AGC[1] allele represents a complex trinucleotide repeat sequence in the HTT (huntingtin) gene. The repeat tract consists of 30 consecutive AGC repeats, followed by one AAC repeat and one additional AGC repeat. This sequence corresponds to 30 uninterrupted glutamine-encoding units or 32 interrupted glutamine-encoding repeat units (this count the AAC interruption and the additional AGC to the total number of repeats on the DNA level, while all resulting in glutamine residues at the protein level). Huntington disease (HD) is an autosomal dominant neurodegenerative disorder caused by an expansion of the CAG trinucleotide repeat in exon 1 of the HTT gene. HTT alleles containing 26 or fewer CAG repeats are considered within the normal range, whereas alleles containing 27–35 repeats are classified as intermediate/premutation, 36-39 repeats as reduced-penetrance pathogenic alleles, and 40 or more repeats as full-penetrance pathogenic alleles. Based on both the 30 uninterrupted repeats and the 32 total repeats including interruptions, this allele is classified as intermediate/premutation. At the time of submission, however, ClinVar does not support such classification. Therefore we classify the allele as VUS, since it is not connected to symptoms directly, but it is clinically relevant due to the anticipated genetic instability. The allele reached 0.16% frequency in the general population of Slovakia (in 609 genotyped alleles).

Blueprint Genetics
Classification: Likely benign. Last evaluated: 2024-11-26. Review status: criteria provided, single submitter. Criteria: ACMG Guidelines, 2015. Collection method: clinical testing. Allele origin: germline.

NM_001388492.1(HTT):c.54GCA[32] (p.Gln38_Pro39insGlnGlnGlnGlnGlnGlnGlnGlnGlnGlnGlnGlnGln)

Genes: HTT (huntingtin; plus strand), LOC109461479 (huntingtin repeat instability region; plus strand), LOC129929027 (ATAC-STARR-seq lymphoblastoid silent region 15199; plus strand). Cytogenetic location: 4p16.3.
Variant type: Microsatellite.
Coding change: c.54GCA[32] on transcript NM_001388492.1 (MANE Select); 32 copies in a row of the 3-base unit GCA starting at c.54.
Protein change: p.Gln38_Pro39insGlnGlnGlnGlnGlnGlnGlnGlnGlnGlnGlnGlnGln.
Genome position: GRCh38, VCF-style position (the base before the change): chr4:3,074,876. GRCh37 (hg19), VCF-style position (the base before the change): chr4:3,076,603.
Other names: c.54GCA[32], p.Gln40_Pro41insGlnGlnGlnGlnGlnGlnGlnGlnGlnGlnGln (NM_002111.8).
Identifiers: ClinVar variation 4966106 (VCV004966106.2).